The following is an entry in ClinVar:

NM_001353345.2(SETD1B):c.3164C>G (p.Ser1055Cys)

Gene: SETD1B (SET domain containing 1B, histone lysine methyltransferase; plus strand). Cytogenetic location: 12q24.31.
Variant type: single nucleotide variant.
Coding change: c.3164C>G on transcript NM_001353345.2 (MANE Select); coding-DNA position 3164, C replaced by G.
Protein change: p.Ser1055Cys; replaces serine 1055 with cysteine.
Molecular consequence: missense variant.
Genome position (GRCh38, 1-based): chr12:121,817,556, C>G. VCF-style: chr12-121817556-C-G. GRCh37 (hg19) VCF-style: chr12-122255462-C-G.
Other names: short protein forms S1055C.
Identifiers: ClinVar variation 1698750 (VCV001698750.2), dbSNP rs2137567257, ClinGen allele CA386996253.

ClinVar aggregate classification (germline): Likely benign (1 of 4 stars; one submission).

Conditions:
Intellectual developmental disorder with seizures and language delay (IDDSELD). Identifiers: MedGen C5436574, MONDO:0033559, OMIM 619000.

Allele frequency attached by ClinVar (database versions not stated): gnomAD exomes below 0.00001.
gnomAD v4.1: 1 of 1,551,352 alleles (0.000064%); highest among the groups gnomAD compares: South Asian, 0.0012%; no homozygotes.

Submission:

Genetics and Molecular Pathology, SA Pathology
Classification: Likely benign for Intellectual developmental disorder with seizures and language delay. Last evaluated: 2022-07-19. Review status: criteria provided, single submitter. Criteria: ACMG Guidelines, 2015. Collection method: clinical testing. Allele origin: germline. Inheritance: Autosomal dominant inheritance. Affected: yes.
Comment: The SETD1B c.3164C>G variant is classified as LIKELY BENIGN (BS2, BP4) The SETD1B c.3164C>G variant is a single nucleotide change in exon 9/17 of the SETD1B gene, which is predicted to change the amino acid serine at position 1055 in the protein to cysteine. Whilst this variant has not been reported to date, different homozygous variants in SETD1B have been reported in patients with intellectual disability, language delay and seizures, inherited from unaffected heterozygous parents (PMID:34345025). This variant is absent from population databases. Multiple lines of computational evidence suggest this variant has no impact on the gene or gene product (BP4). This variant has not been reported in dbSNP, ClinVar or HGMD.

Literature cited by the submitters: PubMed 34345025.